The following is an entry in ClinVar:

NM_199420.4(POLQ):c.4646C>T (p.Thr1549Ile)

Gene: POLQ (DNA polymerase theta; minus strand). Cytogenetic location: 3q13.33.
Variant type: single nucleotide variant.
Coding change: c.4646C>T on transcript NM_199420.4 (MANE Select); coding-DNA position 4646, C replaced by T.
Protein change: p.Thr1549Ile; replaces threonine 1549 with isoleucine.
Molecular consequence: missense variant.
Genome position (GRCh38, 1-based): chr3:121,488,285, G>A on the plus strand (C>T on the coding strand, the complement: POLQ is on the minus strand). VCF-style: chr3-121488285-G-A. GRCh37 (hg19) VCF-style: chr3-121207132-G-A.
Other names: short protein forms T1549I.
Identifiers: ClinVar variation 1742154 (VCV001742154.3), dbSNP rs903692851, ClinGen allele CA81835491.

ClinVar aggregate classification (germline): Uncertain significance (1 of 4 stars; one submission).

Allele frequency attached by ClinVar (database versions not stated): gnomAD exomes 0.00001.
gnomAD v4.1: 11 of 1,612,520 alleles (0.00068%); highest among the groups gnomAD compares: African/African-American, 0.0013%; no homozygotes.

Submission:

Ambry Genetics
Classification: Uncertain significance. Last evaluated: 2024-07-08. Review status: criteria provided, single submitter. Criteria: Ambry Variant Classification Scheme 2023. Collection method: clinical testing. Allele origin: germline.
Comment: The p.T1549I variant (also known as c.4646C>T), located in coding exon 16 of the POLQ gene, results from a C to T substitution at nucleotide position 4646. The threonine at codon 1549 is replaced by isoleucine, an amino acid with similar properties. This amino acid position is conserved. In addition, this alteration is predicted to be tolerated by in silico analysis. Since supporting evidence is limited at this time, the clinical significance of this alteration remains unclear.